The following is an entry in ClinVar:

NM_152594.3(SPRED1):c.236A>G (p.Asp79Gly)

Gene: SPRED1 (sprouty related EVH1 domain containing 1; plus strand). Cytogenetic location: 15q14.
Variant type: single nucleotide variant.
Coding change: c.236A>G on transcript NM_152594.3 (MANE Select); coding-DNA position 236, A replaced by G.
Protein change: p.Asp79Gly; replaces aspartic acid 79 with glycine.
Molecular consequence: missense variant.
Genome position (GRCh38, 1-based): chr15:38,322,269, A>G. VCF-style: chr15-38322269-A-G. GRCh37 (hg19) VCF-style: chr15-38614470-A-G.
Other names: short protein forms D79G.
Identifiers: ClinVar variation 1691748 (VCV001691748.3), dbSNP rs2140994779, ClinGen allele CA391931944.

ClinVar aggregate classification (germline): Uncertain significance. Review status: criteria provided, multiple submitters, no conflicts (2 of 4 stars). 2 submissions from 2 submitters: Uncertain significance (2). Last evaluated 2025-05-19.

Conditions:
Cardiovascular phenotype. Identifiers: MedGen CN230736.

Allele frequency attached by ClinVar (database versions not stated): gnomAD exomes 0.00001.
gnomAD v4.1: 9 of 1,613,876 alleles (0.00056%); highest among the groups gnomAD compares: Non-Finnish European, 0.00076%; no homozygotes.

Submissions (2):

Ambry Genetics
Classification: Uncertain significance for Cardiovascular phenotype. Last evaluated: 2025-05-19. Review status: criteria provided, single submitter. Criteria: Ambry Variant Classification Scheme 2023. Collection method: clinical testing. Allele origin: germline.
Comment: The p.D79G variant (also known as c.236A>G), located in coding exon 3 of the SPRED1 gene, results from an A to G substitution at nucleotide position 236. The aspartic acid at codon 79 is replaced by glycine, an amino acid with similar properties. This amino acid position is conserved. In addition, this alteration is predicted to be deleterious by in silico analysis. Based on the available evidence, the clinical significance of this variant remains unclear.

GeneDx
Classification: Uncertain significance. Last evaluated: 2022-06-16. Review status: criteria provided, single submitter. Criteria: GeneDx Variant Classification Process June 2021. Collection method: clinical testing. Allele origin: germline. Affected: yes.
Comment: Not observed at significant frequency in large population cohorts (gnomAD); In silico analysis supports that this missense variant has a deleterious effect on protein structure/function; Has not been previously published as pathogenic or benign to our knowledge